The following is an entry in ClinVar:

ClinVar aggregate classification (germline): Uncertain significance (1 of 4 stars; one submission).

Submission:

Labcorp Genetics (formerly Invitae), Labcorp
Classification: Uncertain significance. Last evaluated: 2021-08-30. Review status: criteria provided, single submitter. Criteria: Invitae Variant Classification Sherloc (09022015). Collection method: clinical testing. Allele origin: germline.
Comment: This sequence change replaces valine with leucine at codon 643 of the ABCA4 protein (p.Val643Leu). The valine residue is highly conserved and there is a small physicochemical difference between valine and leucine. This variant is not present in population databases (ExAC no frequency). This variant has not been reported in the literature in individuals affected with ABCA4-related conditions. Advanced modeling of protein sequence and biophysical properties (such as structural, functional, and spatial information, amino acid conservation, physicochemical variation, residue mobility, and thermodynamic stability) performed at Invitae indicates that this missense variant is expected to disrupt ABCA4 protein function. In summary, the available evidence is currently insufficient to determine the role of this variant in disease. Therefore, it has been classified as a Variant of Uncertain Significance.

NM_000350.3(ABCA4):c.1927G>C (p.Val643Leu)

Gene: ABCA4 (ATP binding cassette subfamily A member 4; minus strand). Cytogenetic location: 1p22.1.
Variant type: single nucleotide variant.
Coding change: c.1927G>C on transcript NM_000350.3 (MANE Select); coding-DNA position 1927, G replaced by C.
Protein change: p.Val643Leu; replaces valine 643 with leucine.
Molecular consequence: missense variant.
Genome position (GRCh38, 1-based): chr1:94,062,587, C>G on the plus strand (G>C on the coding strand, the complement: ABCA4 is on the minus strand). VCF-style: chr1-94062587-C-G. GRCh37 (hg19) VCF-style: chr1-94528143-C-G.
Other names: c.1927G>C, p.Val643Leu (NM_001425324.1); short protein forms V643L.
Identifiers: ClinVar variation 1037523 (VCV001037523.6), dbSNP rs61749417, ClinGen allele CA341279158.